The following is an entry in ClinVar:

NM_000390.4(CHM):c.941-1G>A

Gene: CHM (CHM Rab escort protein; minus strand). Cytogenetic location: Xq21.2.
Variant type: single nucleotide variant.
Coding change: c.941-1G>A on transcript NM_000390.4 (MANE Select); the canonical splice acceptor site of the intron before coding-DNA position 941, G replaced by A.
Molecular consequence: splice acceptor variant.
Genome position (GRCh38, 1-based): chrX:85,956,379, C>T on the plus strand (G>A on the coding strand, the complement: CHM is on the minus strand). VCF-style: chrX-85956379-C-T. GRCh37 (hg19) VCF-style: chrX-85211384-C-T.
Other names: c.497-1G>A (NM_001362519.1, NM_001362517.1, NM_001320959.1 and 1 more transcripts); c.941-1G>A (NM_000390.3).
Identifiers: ClinVar variation 1806365 (VCV001806365.9), dbSNP rs1930009592, ClinGen allele CA413785594.

ClinVar aggregate classification (germline): Pathogenic. Review status: criteria provided, multiple submitters, no conflicts (2 of 4 stars). 5 submissions from 5 submitters: Pathogenic (5). Last evaluated 2025-12-08.

Conditions:
CHM-related disorders.
Choroideremia. Also called: Chorioretinal scalloped atrophy. Identifiers: Orphanet 180, MedGen C0008525, MONDO:0010557, OMIM 303100, HP:0001139.

Submissions (5):

Labcorp Genetics (formerly Invitae), Labcorp
Classification: Pathogenic. Last evaluated: 2025-12-08. Review status: criteria provided, single submitter. Criteria: Invitae Variant Classification Sherloc (09022015). Collection method: clinical testing. Allele origin: germline.
Comment: This sequence change affects an acceptor splice site in intron 7 of the CHM gene. It is expected to disrupt RNA splicing. Variants that disrupt the donor or acceptor splice site typically lead to a loss of protein function (PMID: 16199547), and loss-of-function variants in CHM are known to be pathogenic (PMID: 9067750, 23811034). This variant is not present in population databases (gnomAD no frequency). Disruption of this splice site has been observed in individuals with choroideremia and/or family history of choroideremia (PMID: 23811034, 25744334; internal data). ClinVar contains an entry for this variant (Variation ID: 1806365). Algorithms developed to predict the effect of sequence changes on RNA splicing suggest that this variant may disrupt the consensus splice site. For these reasons, this variant has been classified as Pathogenic.

3billion
Classification: Pathogenic for Choroideremia. Last evaluated: 2025-06-08. Review status: criteria provided, single submitter. Criteria: ACMG Guidelines, 2015. Collection method: clinical testing. Allele origin: germline. Affected: yes.
Comment: The variant is not observed in the gnomAD v4.1.0 dataset. Predicted Consequence/Location: Canonical splice site: predicted to alter splicing and result in a loss or disruption of normal protein function. Multiple pathogenic loss-of-function variants are reported downstream of the variant. In silico tools predict the variant to alter splicing and produce an abnormal transcript [SpliceAI: 0.98 (spliceogenicity >=0.2, non-spliceogenicity <0.1)]. The variant has been reported at least twice as pathogenic without evidence for the classification (ClinVar ID: VCV001806365 /PMID: 23811034). Therefore, this variant is classified as Pathogenic according to the recommendation of ACMG/AMP guideline.

Natera, Inc.
Classification: Pathogenic for Choroideremia. Last evaluated: 2024-11-28. Review status: criteria provided, single submitter. Criteria: Natera Variant Classification Schema (03/2026). Collection method: clinical testing. Allele origin: germline.
Comment: The c.941-1G>A variant in CHM is a canonical splice acceptor site variant predicted to affect pre-mRNA splicing, which may result in an abnormal transcript and altered protein product. This variant is expected to result in nonsense mediated decay, truncation, or a dysfunctional protein product. This variant is rare in the general population with a frequency below the threshold expected for the associated phenotype(s). Another variant at this same site results in an alteration predicted to cause a similar molecular effect has been observed in individual(s) with the associated phenotype. Given the available evidence, this variant is classified as Pathogenic.

Blueprint Genetics
Classification: Pathogenic for CHM-related disorders. Last evaluated: 2022-10-07. Review status: criteria provided, single submitter. Criteria: ACMG Guidelines, 2015. Collection method: clinical testing. Allele origin: germline. Affected: yes. Observed: 5 variant alleles.

Victorian Clinical Genetics Services, Murdoch Childrens Research Institute
Classification: Pathogenic for Choroideremia. Last evaluated: 2020-10-19. Review status: criteria provided, single submitter. Criteria: ACMG Guidelines, 2015. Collection method: clinical testing. Allele origin: germline. Inheritance: X-linked dominant inheritance.
Comment: Based on the classification scheme VCGS_Germline_v1.3.3, this variant is classified as 5-Pathogenic. Following criteria are met: 0102 - Loss of function is a known mechanism of disease in this gene and is associated with choroideremia (MIM# 303100). (I) 0110 - This gene is associated with X-linked dominant disease. (I) 0211 - Canonical splice site variant without proven consequence on splicing (no functional evidence available). (SP) 0251 - This variant is heterozygous. (I) 0301 - Variant is absent from gnomAD (both v2 and v3). (SP) 0505 - Abnormal splicing is predicted by in silico tools and affected nucleotide is highly conserved. (SP) 0702 - Other splice site variants comparable to the one identified in this case have strong previous evidence for pathogenicity. Three other choroideremia patients harbouring variants in the same canonical splice region have been identified (PMID: 12827496, 25744334, 30995293). (SP) 0803 - This variant has limited previous evidence of pathogenicity. It has been reported in an individual with choroideremia (MIM# 303100) (PMID: 23811034). (SP) 0905 - No published segregation evidence has been identified for this variant. (I) 1007 - No published functional evidence has been identified for this variant. (I) 1208 - Inheritance information for this variant is not currently available in this individual. (I) Legend: (SP) - Supporting pathogenic, (I) - Information, (SB) - Supporting benign

Literature cited by the submitters: PubMed 16199547 (cited by Labcorp Genetics (formerly Invitae), Labcorp); PubMed 9067750 (cited by Labcorp Genetics (formerly Invitae), Labcorp); PubMed 23811034 (cited by 3 submitters); PubMed 25744334 (cited by Labcorp Genetics (formerly Invitae), Labcorp and Victorian Clinical Genetics Services, Murdoch Childrens Research Institute); PubMed 12827496 (cited by Victorian Clinical Genetics Services, Murdoch Childrens Research Institute); PubMed 30995293 (cited by Victorian Clinical Genetics Services, Murdoch Childrens Research Institute).